The following is an entry in ClinVar:

NM_002838.5(PTPRC):c.380T>C (p.Phe127Ser)

Gene: PTPRC (protein tyrosine phosphatase receptor type C; plus strand). Cytogenetic location: 1q31.3.
Variant type: single nucleotide variant.
Coding change: c.380T>C on transcript NM_002838.5 (MANE Select); coding-DNA position 380, T replaced by C.
Protein change: p.Phe127Ser; replaces phenylalanine 127 with serine.
Molecular consequence: missense variant. On other transcripts: intron variant (1).
Genome position (GRCh38, 1-based): chr1:198,699,645, T>C. VCF-style: chr1-198699645-T-C. GRCh37 (hg19) VCF-style: chr1-198668774-T-C.
Other names: c.101-3653T>C (NM_080921.4); short protein forms F127S.
Identifiers: ClinVar variation 1973786 (VCV001973786.2), dbSNP rs778137179, ClinGen allele CA1314479.

ClinVar aggregate classification (germline): Uncertain significance (1 of 4 stars; one submission).

Conditions:
Immunodeficiency 104. Also called: IMMUNODEFICIENCY 104, SEVERE COMBINED; Severe combined immunodeficiency, autosomal recessive, T cell-negative, B cell-positive, NK cell-positive; SCID, AUTOSOMAL RECESSIVE, T CELL-NEGATIVE, B CELL-POSITIVE, NK CELL-POSITIVE; Severe Combined Immune Deficiency, Autosomal Recessive, TCell -Negative, B Cell-Positive, NK Cell-Positive, IL7R-Related. Identifiers: MedGen C5676890, MONDO:0012163, OMIM 608971.

Allele frequency attached by ClinVar (database versions not stated): gnomAD 0.00001; gnomAD exomes 0.00001; ExAC 0.00002; TOPMed 0.00002.
gnomAD v4.1: 14 of 1,614,050 alleles (0.00087%); highest among the groups gnomAD compares: Non-Finnish European, 0.0012%; no homozygotes.

Submission:

Labcorp Genetics (formerly Invitae), Labcorp
Classification: Uncertain significance for Immunodeficiency 104. Last evaluated: 2022-08-16. Review status: criteria provided, single submitter. Criteria: Invitae Variant Classification Sherloc (09022015). Collection method: clinical testing. Allele origin: germline.
Comment: This sequence change replaces phenylalanine, which is neutral and non-polar, with serine, which is neutral and polar, at codon 127 of the PTPRC protein (p.Phe127Ser). This variant is present in population databases (rs778137179, gnomAD 0.004%). This variant has not been reported in the literature in individuals affected with PTPRC-related conditions. Algorithms developed to predict the effect of missense changes on protein structure and function (SIFT, PolyPhen-2, Align-GVGD) all suggest that this variant is likely to be tolerated. In summary, the available evidence is currently insufficient to determine the role of this variant in disease. Therefore, it has been classified as a Variant of Uncertain Significance.